The following is an entry in ClinVar:

ClinVar aggregate classification (germline): Pathogenic. Review status: criteria provided, multiple submitters, no conflicts (2 of 4 stars). 2 submissions from 2 submitters: Pathogenic (2). Last evaluated 2024-05-20.

Conditions:
Retinoblastoma (RB1). Also called: RETINOBLASTOMA, SOMATIC. Identifiers: Orphanet 790, MedGen C0035335, MeSH D012175, MONDO:0008380, OMIM 180200, HP:0009919. Disease mechanism: loss of function. Inheritance: Both sporadic and heritable forms are tested..

Allele frequency attached by ClinVar (database versions not stated): TOPMed below 0.00001.

Submissions (2):

Genetic Diagnostic Laboratory, University of Pennsylvania School of Medicine
Classification: Pathogenic for Retinoblastoma. Last evaluated: 2024-05-20. Review status: criteria provided, single submitter. Criteria: ACMG Guidelines, 2015. Collection method: clinical testing. Allele origin: germline. Affected: yes. Observed: 2 variant alleles.
Comment: Case and Pedigree Information: BILATERAL CASES:2, UNILATERAL CASES:0, TOTAL CASES:2, PEDIGREES:2. ACMG Codes Applied:PVS1, PM2

Labcorp Genetics (formerly Invitae), Labcorp
Classification: Pathogenic for Retinoblastoma. Last evaluated: 2019-06-12. Review status: criteria provided, single submitter. Criteria: Invitae Variant Classification Sherloc (09022015). Collection method: clinical testing. Allele origin: germline.
Comment: For these reasons, this variant has been classified as Pathogenic. Loss-of-function variants in RB1 are known to be pathogenic (PMID: 17096365). This variant has been observed in several individuals affected with bilateral retinoblastoma (PMID: 8651278, 22084214). This variant is not present in population databases (ExAC no frequency). This sequence change creates a premature translational stop signal (p.Gln639*) in the RB1 gene. It is expected to result in an absent or disrupted protein product.

Literature cited by the submitters: PubMed 17096365 (cited by Labcorp Genetics (formerly Invitae), Labcorp); PubMed 8651278 (cited by Labcorp Genetics (formerly Invitae), Labcorp); PubMed 22084214 (cited by Labcorp Genetics (formerly Invitae), Labcorp).

NM_000321.3(RB1):c.1915C>T (p.Gln639Ter)

Gene: RB1 (RB transcriptional corepressor 1; plus strand). Cytogenetic location: 13q14.2.
Variant type: single nucleotide variant.
Coding change: c.1915C>T on transcript NM_000321.3 (MANE Select); coding-DNA position 1915, C replaced by T.
Protein change: p.Gln639Ter; replaces glutamine 639 with a stop codon.
Molecular consequence: nonsense.
Genome position (GRCh38, 1-based): chr13:48,456,304, C>T. VCF-style: chr13-48456304-C-T. GRCh37 (hg19) VCF-style: chr13-49030440-C-T.
Other names: short protein forms Q639*.
Identifiers: ClinVar variation 948581 (VCV000948581.10), dbSNP rs1949359779, ClinGen allele CA388166121.
Genomic context (GRCh38, chr13:48,456,304, plus strand): 5'-ACTACGCGTGTAAATTCTACTGCAAATGCAGAGACACAAGCAACCTCAGCCTTCCAGACC[C>T]AGAAGCCATTGAAATCTACCTCTCTTTCACTGTTTTATAAAAAAGGTTAGTAGATGATTA-3'